The following is an entry in ClinVar:

ClinVar aggregate classification (germline): Conflicting classifications of pathogenicity. Review status: criteria provided, conflicting classifications (1 of 4 stars). 2 submissions from 2 submitters: Uncertain significance (1); Likely benign (1). Last evaluated 2026-07-23.

Conditions:
Cardiovascular phenotype. Identifiers: MedGen CN230736.
Brugada syndrome. Also called: Sudden unexpected nocturnal death syndrome; Sudden unexplained nocturnal death syndrome; Sudden Unexplained Death Syndrome; Sudden Unexplained Nocturnal Death Syndrome (SUNDS). Identifiers: Orphanet 130, MedGen C1142166, MONDO:0015263.

Allele frequency attached by ClinVar (database versions not stated): TOPMed 0.00001; gnomAD exomes below 0.00001.
gnomAD v4.1: 2 of 1,613,664 alleles (0.00012%); highest among the groups gnomAD compares: African/African-American, 0.0013%; no homozygotes.

Submissions (2):

Ambry Genetics
Classification: Likely benign for Cardiovascular phenotype. Last evaluated: 2026-07-23. Review status: criteria provided, single submitter. Criteria: Ambry Variant Classification Scheme 2023. Collection method: clinical testing. Allele origin: germline.

Labcorp Genetics (formerly Invitae), Labcorp
Classification: Uncertain significance for Brugada syndrome. Last evaluated: 2021-08-07. Review status: criteria provided, single submitter. Criteria: Invitae Variant Classification Sherloc (09022015). Collection method: clinical testing. Allele origin: germline.
Comment: This sequence change replaces asparagine with serine at codon 184 of the CACNA2D1 protein (p.Asn184Ser). The asparagine residue is highly conserved and there is a small physicochemical difference between asparagine and serine. This variant is not present in population databases (ExAC no frequency). This variant has not been reported in the literature in individuals affected with CACNA2D1-related conditions. Algorithms developed to predict the effect of missense changes on protein structure and function are either unavailable or do not agree on the potential impact of this missense change (SIFT: "Deleterious"; PolyPhen-2: "Possibly Damaging"; Align-GVGD: "Class C15"). Algorithms developed to predict the effect of sequence changes on RNA splicing suggest that this variant may create or strengthen a splice site. In summary, the available evidence is currently insufficient to determine the role of this variant in disease. Therefore, it has been classified as a Variant of Uncertain Significance.

NM_000722.4(CACNA2D1):c.551A>G (p.Asn184Ser)

Gene: CACNA2D1 (calcium voltage-gated channel auxiliary subunit alpha2delta 1; minus strand). Cytogenetic location: 7q21.11.
Variant type: single nucleotide variant.
Coding change: c.551A>G on transcript NM_000722.4 (MANE Select); coding-DNA position 551, A replaced by G.
Protein change: p.Asn184Ser; replaces asparagine 184 with serine.
Molecular consequence: missense variant.
Genome position (GRCh38, 1-based): chr7:82,084,876, T>C on the plus strand (A>G on the coding strand, the complement: CACNA2D1 is on the minus strand). VCF-style: chr7-82084876-T-C. GRCh37 (hg19) VCF-style: chr7-81714192-T-C.
Other names: c.551A>G (NM_000722.2); c.551A>G, p.Asn184Ser (NM_001302890.2, NM_001366867.1); short protein forms N184S.
Identifiers: ClinVar variation 1420909 (VCV001420909.8), dbSNP rs1434289035, ClinGen allele CA368016877.
Genomic context (GRCh38, chr7:82,084,876, plus strand): 5'-AATAATGAAGGGTCTTCCTCGCGATTCTTTTTGAAAACTTCATCTAAGGCACTTGTCCAG[T>C]TGAGTTCATTTAACACAATTGTTGCTAACAAAAAAGAGAGAAACCATTAATTAATTCAAA-3'
Protein context (NP_000713.2, residues 174-194): EGSTIVLNEL[Asn184Ser]WTSALDEVFK